The following is an entry in ClinVar:

ClinVar aggregate classification (germline): Uncertain significance (1 of 4 stars; one submission).

Conditions:
Chédiak-Higashi syndrome (CHS). Also called: Chediak-Higashi Syndrome. Identifiers: Orphanet 167, MedGen C0007965, MONDO:0008963, OMIM 214500.

Allele frequency attached by ClinVar (database versions not stated): gnomAD exomes 0.00001; TOPMed 0.00002.
gnomAD v4.1: 12 of 1,614,102 alleles (0.00074%); highest among the groups gnomAD compares: South Asian, 0.0055%; no homozygotes.

Submission:

Labcorp Genetics (formerly Invitae), Labcorp
Classification: Uncertain significance for Chédiak-Higashi syndrome. Last evaluated: 2022-04-01. Review status: criteria provided, single submitter. Criteria: Invitae Variant Classification Sherloc (09022015). Collection method: clinical testing. Allele origin: germline.
Comment: This sequence change replaces histidine, which is basic and polar, with arginine, which is basic and polar, at codon 511 of the LYST protein (p.His511Arg). This variant is present in population databases (no rsID available, gnomAD 0.003%). This variant has not been reported in the literature in individuals affected with LYST-related conditions. ClinVar contains an entry for this variant (Variation ID: 665226). Algorithms developed to predict the effect of missense changes on protein structure and function output the following: SIFT: "Deleterious"; PolyPhen-2: "Benign"; Align-GVGD: "Class C0". The arginine amino acid residue is found in multiple mammalian species, which suggests that this missense change does not adversely affect protein function. In summary, the available evidence is currently insufficient to determine the role of this variant in disease. Therefore, it has been classified as a Variant of Uncertain Significance.

NM_000081.4(LYST):c.1532A>G (p.His511Arg)

Gene: LYST (lysosomal trafficking regulator; minus strand). Cytogenetic location: 1q42.3.
Variant type: single nucleotide variant.
Coding change: c.1532A>G on transcript NM_000081.4 (MANE Select); coding-DNA position 1532, A replaced by G.
Protein change: p.His511Arg; replaces histidine 511 with arginine.
Molecular consequence: missense variant.
Genome position (GRCh38, 1-based): chr1:235,809,286, T>C on the plus strand (A>G on the coding strand, the complement: LYST is on the minus strand). VCF-style: chr1-235809286-T-C. GRCh37 (hg19) VCF-style: chr1-235972586-T-C.
Other names: c.1532A>G, p.His511Arg (NM_001301365.1); short protein forms H511R.
Identifiers: ClinVar variation 665226 (VCV000665226.6), dbSNP rs1357600640, ClinGen allele CA344962185.